The following is an entry in ClinVar:

NM_000535.7(PMS2):c.1996A>C (p.Lys666Gln)

Gene: PMS2 (PMS1 homolog 2, mismatch repair system component; minus strand). Cytogenetic location: 7p22.1.
Variant type: single nucleotide variant.
Coding change: c.1996A>C on transcript NM_000535.7 (MANE Select); coding-DNA position 1996, A replaced by C.
Protein change: p.Lys666Gln; replaces lysine 666 with glutamine.
Molecular consequence: missense variant. On other transcripts: non-coding transcript variant (1).
Genome position (GRCh38, 1-based): chr7:5,986,769, T>G on the plus strand (A>C on the coding strand, the complement: PMS2 is on the minus strand). VCF-style: chr7-5986769-T-G. GRCh37 (hg19) VCF-style: chr7-6026400-T-G.
Other names: c.1591A>C, p.Lys531Gln (NM_001018040.1, NM_001322003.2, NM_001322004.2 and 17 more transcripts); c.1840A>C, p.Lys614Gln (NM_001322006.2, NM_001406870.1); c.1678A>C, p.Lys560Gln (NM_001322007.2, NM_001322008.2, NM_001406876.1 and 2 more transcripts); c.1435A>C, p.Lys479Gln (NM_001322010.2, NM_001406906.1, NM_001406907.1); c.1063A>C, p.Lys355Gln (NM_001322011.2, NM_001322012.2); c.1423A>C, p.Lys475Gln (NM_001322013.2, NM_001406909.1); c.1996A>C, p.Lys666Gln (NM_001322014.2, NM_001406871.1, NM_001406872.1); c.1687A>C, p.Lys563Gln (NM_001322015.2, NM_001406875.1, NM_001406877.1 and 5 more transcripts); and 12 more; short protein forms K495Q, K531Q, K558Q, K560Q, K666Q, K674Q, K409Q, K475Q.
Identifiers: ClinVar variation 1784050 (VCV001784050.2), dbSNP rs2535700343, ClinGen allele CA366738901.
Genomic context (GRCh38, chr7:5,986,769, plus strand): 5'-AAATAAAAATTTTAGATAAAAAGAGAAAAAGTAAAAAATTAAAACTTTACCTTATCTCTT[T>G]TCTTAGTTCATCTTCGGCTGCTTGATTTTCTCCAGGACAAATCTTTGCCCTAAACTTCCT-3'
Protein context (NP_000526.2, residues 656-676): ENQAAEDELR[Lys666Gln]EISKTMFAEM

ClinVar aggregate classification (germline): Uncertain significance (1 of 4 stars; one submission).

Conditions:
Hereditary cancer-predisposing syndrome. Also called: Neoplastic Syndromes, Hereditary; Tumor predisposition; Hereditary Cancer Syndrome; Hereditary neoplastic syndrome. Identifiers: Orphanet 140162, MedGen C0027672, MeSH D009386, MONDO:0015356.

Submission:

Ambry Genetics
Classification: Uncertain significance for Hereditary cancer-predisposing syndrome. Last evaluated: 2022-03-25. Review status: criteria provided, single submitter. Criteria: Ambry Variant Classification Scheme 2023. Collection method: clinical testing. Allele origin: germline.
Comment: The p.K666Q variant (also known as c.1996A>C), located in coding exon 11 of the PMS2 gene, results from an A to C substitution at nucleotide position 1996. The lysine at codon 666 is replaced by glutamine, an amino acid with similar properties. This amino acid position is highly conserved in available vertebrate species. In addition, this alteration is predicted to be tolerated by in silico analysis. Since supporting evidence is limited at this time, the clinical significance of this alteration remains unclear.